The following is an entry in ClinVar:

NM_000038.6(APC):c.177T>A (p.Ala59=)

Gene: APC (APC regulator of Wnt signaling pathway; plus strand). Cytogenetic location: 5q22.2.
Variant type: single nucleotide variant.
Coding change: c.177T>A on transcript NM_000038.6 (MANE Select); coding-DNA position 177, T replaced by A.
Protein change: p.Ala59=; no amino-acid change (alanine 59 retained).
Molecular consequence: synonymous variant. On other transcripts: 5 prime UTR variant (8), non-coding transcript variant (2).
Genome position (GRCh38, 1-based): chr5:112,766,367, T>A. VCF-style: chr5-112766367-T-A. GRCh37 (hg19) VCF-style: chr5-112102064-T-A.
Other names: c.177T>A, p.Ala59= (NM_001127510.3, NM_001354895.2, NM_001354896.2 and 16 more transcripts); c.207T>A, p.Ala69= (NM_001127511.3, NM_001354897.2, NM_001354902.2 and 1 more transcripts); c.102T>A, p.Ala34= (NM_001354898.2, NM_001354904.2, NM_001407451.1); c.-1T>A (NM_001354900.2, NM_001354901.2, NM_001354905.2 and 1 more transcripts); c.-859T>A (NM_001354906.2, NM_001407470.1, NM_001407471.1 and 1 more transcripts).
Identifiers: ClinVar variation 3148006 (VCV003148006.1), dbSNP rs2532272766, ClinGen allele CA445752997.

ClinVar aggregate classification (germline): Benign (1 of 4 stars; one submission).

Conditions:
Familial adenomatous polyposis 1 (FAP1). Also called: POLYPOSIS, ADENOMATOUS INTESTINAL; FAMILIAL ADENOMATOUS POLYPOSIS 1, ATTENUATED. Identifiers: MedGen C2713442, MONDO:0021056, OMIM 175100. Disease mechanism: loss of function.

Allele frequency attached by ClinVar (database versions not stated): gnomAD exomes below 0.00001.
gnomAD v4.1: 1 of 1,612,296 alleles (0.000062%); highest among the groups gnomAD compares: Non-Finnish European, 0.000085%; no homozygotes.

Submission:

Myriad Genetics, Inc.
Classification: Benign for Familial adenomatous polyposis 1. Last evaluated: 2024-02-22. Review status: criteria provided, single submitter. Criteria: Myriad Autosomal Dominant, Autosomal Recessive and X-Linked Classification Criteria (2023). Collection method: clinical testing. Allele origin: unknown.
Comment: This variant is considered benign. This variant is a silent/synonymous amino acid change and it is not expected to impact splicing.